The following is an entry in ClinVar:

NM_005228.5(EGFR):c.3151G>A (p.Asp1051Asn)

Gene: EGFR (epidermal growth factor receptor; plus strand). Cytogenetic location: 7p11.2.
Variant type: single nucleotide variant.
Coding change: c.3151G>A on transcript NM_005228.5 (MANE Select); coding-DNA position 3151, G replaced by A.
Protein change: p.Asp1051Asn; replaces aspartic acid 1051 with asparagine.
Molecular consequence: missense variant.
Genome position (GRCh38, 1-based): chr7:55,201,771, G>A. VCF-style: chr7-55201771-G-A. GRCh37 (hg19) VCF-style: chr7-55269464-G-A.
Other names: c.3016G>A, p.Asp1006Asn (NM_001346897.2, NM_001346899.2); c.3151G>A, p.Asp1051Asn (NM_001346898.2); c.2992G>A, p.Asp998Asn (NM_001346900.2); c.2350G>A, p.Asp784Asn (NM_001346941.2); short protein forms D1051N, D1006N, D784N, D998N.
Identifiers: ClinVar variation 3696974 (VCV003696974.2).

ClinVar aggregate classification (germline): Uncertain significance (1 of 4 stars; one submission).

Conditions:
EGFR-related lung cancer (EGFR). Identifiers: MedGen CN130014.

Submission:

Labcorp Genetics (formerly Invitae), Labcorp
Classification: Uncertain significance for EGFR-related lung cancer. Last evaluated: 2024-08-28. Review status: criteria provided, single submitter. Criteria: Invitae Variant Classification Sherloc (09022015). Collection method: clinical testing. Allele origin: germline.
Comment: This sequence change replaces aspartic acid, which is acidic and polar, with asparagine, which is neutral and polar, at codon 1051 of the EGFR protein (p.Asp1051Asn). This variant is not present in population databases (gnomAD no frequency). This variant has not been reported in the literature in individuals affected with EGFR-related conditions. An algorithm developed to predict the effect of missense changes on protein structure and function outputs the following: PolyPhen-2: "Benign". The asparagine amino acid residue is found in multiple mammalian species, which suggests that this missense change does not adversely affect protein function. In summary, the available evidence is currently insufficient to determine the role of this variant in disease. Therefore, it has been classified as a Variant of Uncertain Significance.